The following is an entry in ClinVar:

NM_000180.4(GUCY2D):c.2927G>T (p.Arg976Leu)

Gene: GUCY2D (guanylate cyclase 2D, retinal; plus strand). Cytogenetic location: 17p13.1.
Variant type: single nucleotide variant.
Coding change: c.2927G>T on transcript NM_000180.4 (MANE Select); coding-DNA position 2927, G replaced by T.
Protein change: p.Arg976Leu; replaces arginine 976 with leucine.
Molecular consequence: missense variant.
Genome position (GRCh38, 1-based): chr17:8,015,485, G>T. VCF-style: chr17-8015485-G-T. GRCh37 (hg19) VCF-style: chr17-7918803-G-T.
Other names: NM_000180.4(GUCY2D):c.2927G>T; p.Arg976Leu; short protein forms R976L.
Identifiers: ClinVar variation 98581 (VCV000098581.5), dbSNP rs61750184, ClinGen allele CA226107.

ClinVar aggregate classification (germline): Likely pathogenic. Review status: reviewed by expert panel (3 of 4 stars). 6 submissions from 4 submitters: Likely pathogenic (1). 5 of the submissions do not count toward it. Last evaluated 2025-01-30.

Conditions:
GUCY2D-related recessive retinopathy. Also called: Recessive GUCY2D retinopathy. Identifiers: MedGen CN305603, MONDO:0100453.
Choroidal dystrophy, central areolar, 1. Identifiers: Orphanet 75377, MedGen C4551884, MONDO:0024539, OMIM 215500.
Cone-rod dystrophy 6 (CORD6). Also called: Cone dystrophy progressive; RETINAL CONE DYSTROPHY 2. Identifiers: Orphanet 1872, MedGen C1866293, MONDO:0011143, OMIM 601777.
Leber congenital amaurosis 1 (LCA1). Also called: RETINAL BLINDNESS, CONGENITAL; Congenital absence of the rods and cones; Leber's congenital tapetoretinal degeneration; Leber's congenital tapetoretinal dysplasia; AMAUROSIS CONGENITA OF LEBER I. Identifiers: Orphanet 65, MedGen C2931258, MONDO:0008764, OMIM 204000.

Allele frequency attached by ClinVar (database versions not stated): gnomAD exomes below 0.00001.

Submissions (6):

ClinGen Leber Congenital Amaurosis/early Onset Retinal Dystrophy Variant Curation Expert Panel, ClinGen
Classification: Likely pathogenic for GUCY2D-related recessive retinopathy. Last evaluated: 2025-01-30. Review status: reviewed by expert panel. Criteria: ClinGen LCAeoRD ACMG Specifications GUCY2D V1.0.0. Collection method: curation. Allele origin: germline. Inheritance: Autosomal recessive inheritance.
Comment: NM_000180.4(GUCY2D):c.2927G>T (p.Arg976Leu) is a missense variant that replaces arginine with leucine at position p.976, which is located within the active site, a well-characterized functional domain that binds the GTP substrate and the Mg ion and is required for enzymatic activity (PM1, PMID: 9391039). This variant is absent from gnomAD v4.1.0 (PM2_Supporting). This variant has been reported in at least 1 proband with early-onset severe retinal dystrophy who was homozygous for the variant (0.5 total points, PMID: 10951519, PM3_Supporting). A second proband was not only homozygous for this variant but also for the NM_000180.4(GUCY2D):c.2766C>G (p.Tyr922Ter) variant, and so was not counted for the PM3 code (PMID: 24265693). At least one proband harboring this variant exhibits a phenotype including diagnosis of Leber congenital amaurosis (0.5 pts), severely reduced vision (1 pt) with onset from birth (1 pt), nystagmus (1 pt), unremarkable fundus, irregular pigmentation (0.5 pts), hypermetropia, electroretinogram responses below the detection limit from both rods (0.5 pts) and cones (1 pt), and macular atrophy, which together are specific for GUCY2D-related recessive retinopathy (total 5.5 points, PMID: 17525851, PP4). The computational predictor REVEL gives a score of 0.895, which is above the ClinGen LCA / eoRD VCEP threshold of ≥0.773 and predicts a damaging effect on RetGC-1 protein function (PP3_Moderate). The variant exhibited 0% enzymatic activity in a guanylate cyclase assay relative to the wild-type control, which is lower than the ClinGen LCA/eoRD VCEP PS3_Supporting threshold of ≤10% activity, indicating that it triggers a severe defect in protein function (PMID: 11328726, PS3_Supporting). In summary, this variant meets the criteria to be classified as likely pathogenic for GUCY2D-related recessive retinopathy based on the ACMG/AMP criteria applied, as specified by the ClinGen LCA / eoRD VCEP: PM1, PM2_Supporting, PM3_Supporting, PP4, PP3_Moderate, and PS3_Supporting. (VCEP specifications version 1.0.0; date of approval 01/22/2025).

Genomic Research Center, Shahid Beheshti University of Medical Sciences
Classification: Uncertain significance for Cone-rod dystrophy 6. Last evaluated: 2018-08-07. Review status: criteria provided, single submitter. Criteria: ACMG Guidelines, 2015. Collection method: clinical testing. Allele origin: inherited. Affected: yes. Observed: 1 variant allele. Not counted in ClinVar's aggregate classification.

Genomic Research Center, Shahid Beheshti University of Medical Sciences
Classification: Uncertain significance for Leber congenital amaurosis 1. Last evaluated: 2018-08-07. Review status: criteria provided, single submitter. Criteria: ACMG Guidelines, 2015. Collection method: clinical testing. Allele origin: inherited. Affected: yes. Observed: 1 variant allele. Not counted in ClinVar's aggregate classification.

Genomic Research Center, Shahid Beheshti University of Medical Sciences
Classification: Uncertain significance for Choroidal sclerosis. Last evaluated: 2018-08-07. Review status: criteria provided, single submitter. Criteria: ACMG Guidelines, 2015. Collection method: clinical testing. Allele origin: inherited. Affected: yes. Observed: 1 variant allele. Not counted in ClinVar's aggregate classification.

Laboratory of Genetics in Ophthalmology, Institut Imagine
Classification: Likely pathogenic for Leber congenital amaurosis 1. Review status: no assertion criteria provided. Collection method: research. Allele origin: inherited. Affected: yes. Observed: 1 variant allele. Not counted in ClinVar's aggregate classification.

Retina International
No classification provided. Review status: no classification provided. Collection method: not provided. Allele origin: not provided. Not counted in ClinVar's aggregate classification.

Literature cited by the submitters: PubMed 10951519 (cited by Laboratory of Genetics in Ophthalmology, Institut Imagine).